The following is an entry in ClinVar:

ClinVar aggregate classification (germline): Uncertain significance. Review status: criteria provided, multiple submitters, no conflicts (2 of 4 stars). 2 submissions from 2 submitters: Uncertain significance (2). Last evaluated 2026-03-25.

Conditions:
Ehlers-Danlos syndrome, classic type, 1 (EDSCL1). Also called: EDS I; Ehlers-Danlos Syndrome, Classic Type, COL5A1-Related; EHLERS-DANLOS SYNDROME, GRAVIS TYPE; EHLERS-DANLOS SYNDROME, SEVERE CLASSIC TYPE; Ehlers-Danlos syndrome, type 1. Identifiers: MedGen C0268335, MONDO:0019567, OMIM 130000.

gnomAD v4.1: 1 of 1,613,840 alleles (0.000062%); highest among the groups gnomAD compares: Non-Finnish European, 0.000085%; no homozygotes.

Submissions (2):

GeneDx
Classification: Uncertain significance. Last evaluated: 2026-03-25. Review status: criteria provided, single submitter. Criteria: GeneDx Variant Classification Process June 2021. Collection method: clinical testing. Allele origin: germline.
Comment: Not observed at significant frequency in large population cohorts (gnomAD); In silico analysis supports that this missense variant has a deleterious effect on protein structure/function; Has not been previously published as pathogenic or benign to our knowledge; This variant is associated with the following publications: (PMID: 22696272)

Labcorp Genetics (formerly Invitae), Labcorp
Classification: Uncertain significance for Ehlers-Danlos syndrome, classic type, 1. Last evaluated: 2023-07-12. Review status: criteria provided, single submitter. Criteria: Invitae Variant Classification Sherloc (09022015). Collection method: clinical testing. Allele origin: germline.
Comment: In summary, the available evidence is currently insufficient to determine the role of this variant in disease. Therefore, it has been classified as a Variant of Uncertain Significance. This sequence change replaces proline, which is neutral and non-polar, with alanine, which is neutral and non-polar, at codon 789 of the COL5A1 protein (p.Pro789Ala). This variant is not present in population databases (gnomAD no frequency). This variant has not been reported in the literature in individuals affected with COL5A1-related conditions. Advanced modeling of protein sequence and biophysical properties (such as structural, functional, and spatial information, amino acid conservation, physicochemical variation, residue mobility, and thermodynamic stability) performed at Invitae indicates that this missense variant is expected to disrupt COL5A1 protein function.

NM_000093.5(COL5A1):c.2365C>G (p.Pro789Ala)

Gene: COL5A1 (collagen type V alpha 1 chain; plus strand). Cytogenetic location: 9q34.3.
Variant type: single nucleotide variant.
Coding change: c.2365C>G on transcript NM_000093.5 (MANE Select); coding-DNA position 2365, C replaced by G.
Protein change: p.Pro789Ala; replaces proline 789 with alanine.
Molecular consequence: missense variant.
Genome position (GRCh38, 1-based): chr9:134,774,892, C>G. VCF-style: chr9-134774892-C-G. GRCh37 (hg19) VCF-style: chr9-137666738-C-G.
Other names: c.2365C>G, p.Pro789Ala (NM_001278074.1); c.2365C>G (NM_000093.3); short protein forms P789A.
Identifiers: ClinVar variation 2882211 (VCV002882211.4), dbSNP rs2490690799, ClinGen allele CA375451923.